The following is an entry in ClinVar:

NM_025136.4(OPA3):c.425C>T (p.Ala142Val)

Genes: OPA3-RTN2 (OPA3-RTN2 readthrough; minus strand), OPA3 (outer mitochondrial membrane lipid metabolism regulator OPA3; minus strand). Cytogenetic location: 19q13.32.
Variant type: single nucleotide variant.
Coding change: c.425C>T on transcript NM_025136.4 (MANE Select); coding-DNA position 425, C replaced by T.
Protein change: p.Ala142Val; replaces alanine 142 with valine.
Molecular consequence: missense variant. On other transcripts: intron variant (1).
Genome position (GRCh38, 1-based): chr19:45,553,629, G>A on the plus strand (C>T on the coding strand, the complement: OPA3 is on the minus strand). VCF-style: chr19-45553629-G-A. GRCh37 (hg19) VCF-style: chr19-46056887-G-A.
Other names: c.143-24173C>T (NM_001017989.3); short protein forms A142V.
Identifiers: ClinVar variation 1314371 (VCV001314371.9), dbSNP rs2122438899, ClinGen allele CA406370035.

ClinVar aggregate classification (germline): Uncertain significance. Review status: criteria provided, multiple submitters, no conflicts (2 of 4 stars). 2 submissions from 2 submitters: Uncertain significance (2). Last evaluated 2025-09-25.

Conditions:
Optic atrophy 3 (OPA3). Also called: OPTIC ATROPHY 3, AUTOSOMAL DOMINANT; Optic atrophy, cataract, and neurologic disorder; Optic atrophy 3 with cataract. Identifiers: Orphanet 67036, MedGen C1833809, MONDO:0008133, OMIM 165300.
3-Methylglutaconic aciduria type 3 (MGCA3). Also called: Costeff Syndrome; OPA3, AUTOSOMAL RECESSIVE; OPTIC ATROPHY 3, AUTOSOMAL RECESSIVE; OPA3-Related 3-Methylglutaconic Aciduria. Identifiers: Orphanet 67047, MedGen C0574084, MONDO:0009787, OMIM 258501.

Allele frequency attached by ClinVar (database versions not stated): gnomAD exomes below 0.00001.
gnomAD v4.1: 1 of 1,606,194 alleles (0.000062%); highest among the groups gnomAD compares: Non-Finnish European, 0.000085%; no homozygotes.

Submissions (2):

GeneDx
Classification: Uncertain significance. Last evaluated: 2025-09-25. Review status: criteria provided, single submitter. Criteria: GeneDx Variant Classification Process June 2021. Collection method: clinical testing. Allele origin: germline. Affected: yes.
Comment: Reported as a de novo variant in a proband from the Simons Foundation Powering Autism Research for Knowledge (SPARK) cohort who also harbors at least one other de novo variant (PMID: 35982159); Not observed at significant frequency in large population cohorts (gnomAD); In silico analysis suggests that this missense variant does not alter protein structure/function; This variant is associated with the following publications: (PMID: 35982159)

Labcorp Genetics (formerly Invitae), Labcorp
Classification: Uncertain significance for 3-Methylglutaconic aciduria type 3; Optic atrophy 3. Last evaluated: 2022-07-07. Review status: criteria provided, single submitter. Criteria: Invitae Variant Classification Sherloc (09022015). Collection method: clinical testing. Allele origin: germline.
Comment: In summary, the available evidence is currently insufficient to determine the role of this variant in disease. Therefore, it has been classified as a Variant of Uncertain Significance. Algorithms developed to predict the effect of sequence changes on RNA splicing suggest that this variant may create or strengthen a splice site. Algorithms developed to predict the effect of missense changes on protein structure and function (SIFT, PolyPhen-2, Align-GVGD) all suggest that this variant is likely to be tolerated. ClinVar contains an entry for this variant (Variation ID: 1314371). This variant has not been reported in the literature in individuals affected with OPA3-related conditions. This variant is not present in population databases (gnomAD no frequency). This sequence change replaces alanine, which is neutral and non-polar, with valine, which is neutral and non-polar, at codon 142 of the OPA3 protein (p.Ala142Val).